The following is an entry in ClinVar:

NM_000051.4(ATM):c.748C>G (p.Arg250Gly)

Gene: ATM (ATM serine/threonine kinase; plus strand). Cytogenetic location: 11q22.3.
Variant type: single nucleotide variant.
Coding change: c.748C>G on transcript NM_000051.4 (MANE Select); coding-DNA position 748, C replaced by G.
Protein change: p.Arg250Gly; replaces arginine 250 with glycine.
Molecular consequence: missense variant.
Genome position (GRCh38, 1-based): chr11:108,244,873, C>G. VCF-style: chr11-108244873-C-G. GRCh37 (hg19) VCF-style: chr11-108115600-C-G.
Other names: c.748C>G, p.Arg250Gly (NM_001351834.2); short protein forms R250G.
Identifiers: ClinVar variation 923473 (VCV000923473.3), dbSNP rs772821016, ClinGen allele CA382529267.

ClinVar aggregate classification (germline): Uncertain significance (1 of 4 stars; one submission).

Conditions:
Hereditary cancer-predisposing syndrome. Also called: Neoplastic Syndromes, Hereditary; Tumor predisposition; Hereditary Cancer Syndrome; Hereditary neoplastic syndrome. Identifiers: Orphanet 140162, MedGen C0027672, MeSH D009386, MONDO:0015356.

Submission:

Color Diagnostics, LLC DBA Color Health
Classification: Uncertain significance for Hereditary cancer-predisposing syndrome. Last evaluated: 2020-01-17. Review status: criteria provided, single submitter. Criteria: ACMG Guidelines, 2015. Collection method: clinical testing. Allele origin: germline.
Comment: This missense variant replaces arginine with glycine at codon 250 of the ATM protein. Computational prediction tool suggests that this variant may not impact protein structure and function (internally defined REVEL score threshold ≤0.5, PMID: 27666373). Splice site prediction tools suggest that this variant may not impact RNA splicing. To our knowledge, functional studies have not been performed for this variant. This variant has not been reported in individuals affected with hereditary cancer in the literature. This variant has not been identified in the general population by the Genome Aggregation Database (gnomAD). The available evidence is insufficient to determine the role of this variant in disease conclusively. Therefore, this variant is classified as a Variant of Uncertain Significance.